The following is an entry in ClinVar:

ClinVar aggregate classification (germline): Benign/Likely benign. Review status: criteria provided, multiple submitters, no conflicts (2 of 4 stars). 3 submissions from 3 submitters: Benign (1); Likely benign (1). 1 of the submissions does not count toward it. Last evaluated 2026-01-10.

Conditions:
DST-related disorder. Also called: DST-related disorders; DST-related condition.
Epidermolysis bullosa simplex 3, localized or generalized intermediate, with BP230 deficiency (EBS3). Also called: Epidermolysis bullosa simplex, autosomal recessive 2; Epidermolysis bullosa simplex due to BP230 deficiency. Identifiers: Orphanet 412181, MedGen C3809470, MONDO:0014180, OMIM 615425.
Hereditary sensory and autonomic neuropathy type 6. Also called: HSAN VI; Neuropathy, hereditary sensory and autonomic, type VI. Identifiers: Orphanet 314381, MedGen C3539003, MONDO:0013839, OMIM 614653.

Allele frequency attached by ClinVar (database versions not stated): gnomAD 0.00035 and 0.00040; TOPMed 0.00049; ExAC 0.00079; 1000 Genomes Project 30x 0.00172; 1000 Genomes Project 0.00200.
gnomAD v4.1: 344 of 1,614,070 alleles (0.021%); highest among the groups gnomAD compares: East Asian, 0.5%; 4 homozygotes.

Submissions (3):

Labcorp Genetics (formerly Invitae), Labcorp
Classification: Benign for Epidermolysis bullosa simplex 3, localized or generalized intermediate, with BP230 deficiency; Hereditary sensory and autonomic neuropathy type 6. Last evaluated: 2026-01-10. Review status: criteria provided, single submitter. Criteria: Invitae Variant Classification Sherloc (09022015). Collection method: clinical testing. Allele origin: germline.

Blueprint Genetics
Classification: Likely benign. Last evaluated: 2024-10-10. Review status: criteria provided, single submitter. Criteria: ACMG Guidelines, 2015. Collection method: clinical testing. Allele origin: germline.

PreventionGenetics, part of Exact Sciences
Classification: Benign for DST-related condition. Last evaluated: 2019-03-08. Review status: no assertion criteria provided. Collection method: clinical testing. Allele origin: germline. Not counted in ClinVar's aggregate classification.
Comment: This variant is classified as benign based on ACMG/AMP sequence variant interpretation guidelines (Richards et al. 2015 PMID: 25741868, with internal and published modifications).

NM_001723.7(DST):c.3724T>C (p.Leu1242=)

Gene: DST (dystonin; minus strand). Cytogenetic location: 6p12.1.
Variant type: single nucleotide variant.
Coding change: c.3724T>C on transcript NM_001723.7 (MANE Plus Clinical); coding-DNA position 3724, T replaced by C.
Protein change: p.Leu1242=; no amino-acid change (leucine 1242 retained).
Molecular consequence: synonymous variant. On other transcripts: intron variant (10).
Genome position (GRCh38, 1-based): chr6:56,620,310, A>G on the plus strand (T>C on the coding strand, the complement: DST is on the minus strand). VCF-style: chr6-56620310-A-G. GRCh37 (hg19) VCF-style: chr6-56485108-A-G.
Other names: c.4830+4220T>C (NM_001144769.5); c.4929+4220T>C (NM_001374722.1, NM_001374736.1); c.4956+4220T>C (NM_001374734.1); c.4416+4220T>C (NM_001144770.2); c.4296+4220T>C (NM_001374730.1, NM_001386100.1, NM_183380.4 and 1 more transcripts); c.3318+4220T>C (NM_015548.5).
Identifiers: ClinVar variation 474523 (VCV000474523.15), dbSNP rs2230861, ClinGen allele CA3870658.